The following is an entry in ClinVar:

ClinVar aggregate classification (germline): Likely benign (1 of 4 stars; one submission).

gnomAD v4.1: 149 of 1,613,524 alleles (0.0092%); highest among the groups gnomAD compares: African/African-American, 0.081%; 1 homozygote.

Submission:

CeGaT Center for Human Genetics Tuebingen
Classification: Likely benign. Last evaluated: 2026-09-01. Review status: criteria provided, single submitter. Criteria: CeGaT Center For Human Genetics Tuebingen Variant Classification Criteria Version 2. Collection method: clinical testing. Allele origin: germline. Affected: yes. Observed: 1 variant allele.
Comment: NRXN3: BP4, BP7

NM_001330195.2(NRXN3):c.3525C>T (p.Asp1175=)

Gene: NRXN3 (neurexin 3; plus strand). Cytogenetic location: 14q31.1.
Variant type: single nucleotide variant.
Coding change: c.3525C>T on transcript NM_001330195.2 (MANE Select); coding-DNA position 3525, C replaced by T.
Protein change: p.Asp1175=; no amino-acid change (aspartic acid 1175 retained).
Molecular consequence: synonymous variant. On other transcripts: non-coding transcript variant (5).
Genome position (GRCh38, 1-based): chr14:79,663,858, C>T. VCF-style: chr14-79663858-C-T. GRCh37 (hg19) VCF-style: chr14-80130201-C-T.
Other names: c.510C>T, p.Asp170= (NM_001105250.3, NM_001272020.2, NM_138970.5); c.3525C>T, p.Asp1175= (NM_001366425.1); c.3537C>T, p.Asp1179= (NM_001366426.1); c.2406C>T, p.Asp802= (NM_004796.6).
Identifiers: ClinVar variation 5041164 (VCV005041164.1).